The following is an entry in ClinVar:

ClinVar aggregate classification (germline): Pathogenic/Likely pathogenic. Review status: criteria provided, multiple submitters, no conflicts (2 of 4 stars). 2 submissions from 2 submitters: Pathogenic (1); Likely pathogenic (1). Last evaluated 2024-07-11.

Conditions:
Multiple endocrine neoplasia, type 1 (MEN1). Also called: MEA I; MEN I; WERMER SYNDROME; Endocrine adenomatosis multiple; MEN 1. Identifiers: Orphanet 652, MedGen C0025267, MeSH D018761, MONDO:0007540, OMIM 131100.

Submissions (2):

Labcorp Genetics (formerly Invitae), Labcorp
Classification: Pathogenic for Multiple endocrine neoplasia, type 1. Last evaluated: 2024-07-11. Review status: criteria provided, single submitter. Criteria: Invitae Variant Classification Sherloc (09022015). Collection method: clinical testing. Allele origin: germline.
Comment: This sequence change creates a premature translational stop signal (p.Lys262Asnfs*19) in the MEN1 gene. It is expected to result in an absent or disrupted protein product. Loss-of-function variants in MEN1 are known to be pathogenic (PMID: 12112656, 17853334). This variant is not present in population databases (gnomAD no frequency). This variant has not been reported in the literature in individuals affected with MEN1-related conditions. For these reasons, this variant has been classified as Pathogenic.

Quest Diagnostics Nichols Institute San Juan Capistrano
Classification: Likely pathogenic. Last evaluated: 2024-04-10. Review status: criteria provided, single submitter. Criteria: Quest Diagnostics criteria. Collection method: clinical testing. Allele origin: unknown.
Comment: The MEN1 c.786del (p.Lys262Asnfs*19) variant alters the translational reading frame of the MEN1 mRNA and is predicted to cause the premature termination of MEN1 protein synthesis. This variant has not been reported in individuals with MEN1-related conditions in the published literature. This variant has not been reported in large, multi-ethnic general populations (Genome Aggregation Database). Based on the available information, this variant is classified as likely pathogenic.

Literature cited by the submitters: PubMed 12112656 (cited by Labcorp Genetics (formerly Invitae), Labcorp); PubMed 17853334 (cited by Labcorp Genetics (formerly Invitae), Labcorp).

NM_001370259.2(MEN1):c.786del (p.Lys262fs)

Gene: MEN1 (menin 1; minus strand). Cytogenetic location: 11q13.1.
Variant type: Deletion.
Coding change: c.786del on transcript NM_001370259.2 (MANE Select); coding-DNA position 786, one base deleted (G; older notation c.786delG).
Protein change: p.Lys262fs; shifts the reading frame from lysine 262.
Molecular consequence: frameshift variant. On other transcripts: non-coding transcript variant (4).
Genome position (GRCh38, 1-based): chr11:64,807,217, C deleted on the plus strand (G on the coding strand, the reverse complement: MEN1 is on the minus strand). VCF-style (leftmost placement, unchanged base first): chr11-64807216-GC-G. GRCh37 (hg19) VCF-style: chr11-64574688-GC-G.
Other names: c.801del, p.Lys267fs (NM_000244.4, NM_001407145.1, NM_001407150.1 and 5 more transcripts); c.786del, p.Lys262fs (NM_001370251.2, NM_001370260.2, NM_001370261.2 and 7 more transcripts); c.681del, p.Lys227fs (NM_001370262.2, NM_001370263.2, NM_001407148.1 and 2 more transcripts); c.786delG, p.Lys262Asnfs (NM_130799.2); short protein forms K262fs, K267fs, K227fs.
Identifiers: ClinVar variation 3572320 (VCV003572320.3).